The following is an entry in ClinVar:

NC_000005.9:g.(?_77471430)_(77477506_?)del

Gene: AP3B1 (adaptor related protein complex 3 subunit beta 1; minus strand). Cytogenetic location: 5q14.1.
Variant type: Deletion.
Identifiers: ClinVar variation 1410842 (VCV001410842.7).

ClinVar aggregate classification (germline): Uncertain significance (1 of 4 stars; one submission).

Conditions:
Hermansky-Pudlak syndrome 2 (HPS2). Also called: Platelet defects and oculocutaneous albinism. Identifiers: Orphanet 183678, Orphanet 79430, MedGen C1842362, MONDO:0011997, OMIM 608233.

Submission:

Labcorp Genetics (formerly Invitae), Labcorp
Classification: Uncertain significance for Hermansky-Pudlak syndrome 2. Last evaluated: 2022-06-27. Review status: criteria provided, single submitter. Criteria: Invitae Variant Classification Sherloc (09022015). Collection method: clinical testing. Allele origin: germline.
Comment: This variant is a gross deletion of the genomic region encompassing exon(s) 8-11 of the AP3B1 gene. This variant would be expected to be in-frame, preserving the integrity of the reading frame. In summary, the available evidence is currently insufficient to determine the role of this variant in disease. Therefore, it has been classified as a Variant of Uncertain Significance. Experimental studies and prediction algorithms are not available or were not evaluated, and the functional significance of this variant is currently unknown. This variant has not been reported in the literature in individuals affected with AP3B1-related conditions.